The following is an entry in ClinVar:

ClinVar aggregate classification (germline): Uncertain significance. Review status: criteria provided, multiple submitters, no conflicts (2 of 4 stars). 3 submissions from 3 submitters: Uncertain significance (3). Last evaluated 2025-09-29.

Conditions:
Inborn genetic diseases. Identifiers: MedGen C0950123, MeSH D030342.

gnomAD v4.1: 18 of 1,613,742 alleles (0.0011%); highest among the groups gnomAD compares: Non-Finnish European, 0.0014%; no homozygotes.

Submissions (3):

Labcorp Genetics (formerly Invitae), Labcorp
Classification: Uncertain significance. Last evaluated: 2025-09-29. Review status: criteria provided, single submitter. Criteria: Invitae Variant Classification Sherloc (09022015). Collection method: clinical testing. Allele origin: germline.
Comment: This sequence change replaces glutamic acid, which is acidic and polar, with lysine, which is basic and polar, at codon 124 of the INSR protein (p.Glu124Lys). This variant is not present in population databases (gnomAD no frequency). This variant has not been reported in the literature in individuals affected with INSR-related conditions. ClinVar contains an entry for this variant (Variation ID: 3529312). Invitae Evidence Modeling of protein sequence and biophysical properties (such as structural, functional, and spatial information, amino acid conservation, physicochemical variation, residue mobility, and thermodynamic stability) has been performed for this missense variant. However, the output from this modeling did not meet the statistical confidence thresholds required to predict the impact of this variant on INSR protein function. In summary, the available evidence is currently insufficient to determine the role of this variant in disease. Therefore, it has been classified as a Variant of Uncertain Significance.

Ambry Genetics
Classification: Uncertain significance for Inborn genetic diseases. Last evaluated: 2024-10-20. Review status: criteria provided, single submitter. Criteria: Ambry Variant Classification Scheme 2023. Collection method: clinical testing. Allele origin: germline.

GeneDx
Classification: Uncertain significance. Last evaluated: 2024-09-30. Review status: criteria provided, single submitter. Criteria: GeneDx Variant Classification Process June 2021. Collection method: clinical testing. Allele origin: germline. Affected: yes.
Comment: Not observed at significant frequency in large population cohorts (gnomAD); In silico analysis supports that this missense variant has a deleterious effect on protein structure/function; Has not been previously published as pathogenic or benign to our knowledge

NM_000208.4(INSR):c.370G>A (p.Glu124Lys)

Gene: INSR (insulin receptor; minus strand). Cytogenetic location: 19p13.2.
Variant type: single nucleotide variant.
Coding change: c.370G>A on transcript NM_000208.4 (MANE Select); coding-DNA position 370, G replaced by A.
Protein change: p.Glu124Lys; replaces glutamic acid 124 with lysine.
Molecular consequence: missense variant.
Genome position (GRCh38, 1-based): chr19:7,267,627, C>T on the plus strand (G>A on the coding strand, the complement: INSR is on the minus strand). VCF-style: chr19-7267627-C-T. GRCh37 (hg19) VCF-style: chr19-7267638-C-T.
Other names: c.370G>A, p.Glu124Lys (NM_001079817.3); short protein forms E124K.
Identifiers: ClinVar variation 3529312 (VCV003529312.4).